The following is an entry in ClinVar:

ClinVar aggregate classification (germline): Conflicting classifications of pathogenicity. Review status: criteria provided, conflicting classifications (1 of 4 stars). 3 submissions from 3 submitters: Uncertain significance (1); Benign (1). 1 of the submissions does not count toward it. Last evaluated 2025-08-11.

Conditions:
Hennekam lymphangiectasia-lymphedema syndrome 1 (HKLLS1). Also called: LYMPHATIC DYSPLASIA, GENERALIZED. Identifiers: Orphanet 2136, MedGen C4012050, MONDO:0009337, OMIM 235510.
CCBE1-related disorder. Also called: CCBE1-related condition.

Allele frequency attached by ClinVar (database versions not stated): ExAC 0.00007; gnomAD exomes 0.00008 and 0.00043; ESP Exome Variant Server 0.00015; gnomAD 0.00019 and 0.00020; 1000 Genomes Project 0.00020; 1000 Genomes Project 30x 0.00031; TOPMed 0.00044.
gnomAD v4.1: 640 of 1,611,126 alleles (0.04%); highest among the groups gnomAD compares: Non-Finnish European, 0.05%; 4 homozygotes.

Submissions (3):

Labcorp Genetics (formerly Invitae), Labcorp
Classification: Benign. Last evaluated: 2025-08-11. Review status: criteria provided, single submitter. Criteria: Invitae Variant Classification Sherloc (09022015). Collection method: clinical testing. Allele origin: germline.

Illumina Laboratory Services, Illumina
Classification: Uncertain significance for Hennekam lymphangiectasia-lymphedema syndrome 1. Last evaluated: 2018-01-13. Review status: criteria provided, single submitter. Criteria: ICSL Variant Classification Criteria 13 December 2019. Collection method: clinical testing. Allele origin: germline.

PreventionGenetics, part of Exact Sciences
Classification: Likely benign for CCBE1-related condition. Last evaluated: 2020-03-11. Review status: no assertion criteria provided. Collection method: clinical testing. Allele origin: germline. Not counted in ClinVar's aggregate classification.
Comment: This variant is classified as likely benign based on ACMG/AMP sequence variant interpretation guidelines (Richards et al. 2015 PMID: 25741868, with internal and published modifications).

NM_133459.4(CCBE1):c.654+10G>A

Gene: CCBE1 (collagen and calcium binding EGF domains 1; minus strand). Cytogenetic location: 18q21.32.
Variant type: single nucleotide variant.
Coding change: c.654+10G>A on transcript NM_133459.4 (MANE Select); 10 bases into the intron after coding-DNA position 654, G replaced by A.
Molecular consequence: intron variant.
Genome position (GRCh38, 1-based): chr18:59,454,841, C>T on the plus strand (G>A on the coding strand, the complement: CCBE1 is on the minus strand). VCF-style: chr18-59454841-C-T. GRCh37 (hg19) VCF-style: chr18-57122073-C-T.
Other names: c.654+10G>A (LRG_1209t1).
Identifiers: ClinVar variation 327705 (VCV000327705.14), dbSNP rs199573616, ClinGen allele CA8980391.